The following is an entry in ClinVar:

NM_024675.4(PALB2):c.2870A>G (p.Lys957Arg)

Gene: PALB2 (partner and localizer of BRCA2; minus strand). Cytogenetic location: 16p12.2.
Variant type: single nucleotide variant.
Coding change: c.2870A>G on transcript NM_024675.4 (MANE Select); coding-DNA position 2870, A replaced by G.
Protein change: p.Lys957Arg; replaces lysine 957 with arginine.
Molecular consequence: missense variant.
Genome position (GRCh38, 1-based): chr16:23,623,095, T>C on the plus strand (A>G on the coding strand, the complement: PALB2 is on the minus strand). VCF-style: chr16-23623095-T-C. GRCh37 (hg19) VCF-style: chr16-23634416-T-C.
Other names: short protein forms K957R.
Identifiers: ClinVar variation 1431902 (VCV001431902.7), dbSNP rs2142337222, ClinGen allele CA395144393.
Genomic context (GRCh38, chr16:23,623,095, plus strand): 5'-AGCCTCCTCTTTGTCAGGCCAAGCACAGCTTTTATATTTCCAGACTTCAGTAGTACTTGC[T>C]TTTCACTTTCATCATCAGAGGAACAAAACAATGCCCTAAGCCAAATATAAGGAAAAATGG-3'
Protein context (NP_078951.2, residues 947-967): LFCSSDDESE[Lys957Arg]QVLLKSGNIK

ClinVar aggregate classification (germline): Uncertain significance (1 of 4 stars; one submission).

Conditions:
Familial cancer of breast. Also called: BREAST CANCER, FAMILIAL; Hereditary breast cancer; hereditary breast carcinoma. Identifiers: Orphanet 227535, MedGen C0346153, MONDO:0016419, OMIM 114480. Disease mechanism: loss of function.

Allele frequency attached by ClinVar (database versions not stated): gnomAD exomes below 0.00001.
gnomAD v4.1: 1 of 1,614,130 alleles (0.000062%); highest among the groups gnomAD compares: Non-Finnish European, 0.000085%; no homozygotes.

Submission:

Labcorp Genetics (formerly Invitae), Labcorp
Classification: Uncertain significance for Familial cancer of breast. Last evaluated: 2025-11-10. Review status: criteria provided, single submitter. Criteria: Invitae Variant Classification Sherloc (09022015). Collection method: clinical testing. Allele origin: germline.
Comment: This sequence change replaces lysine, which is basic and polar, with arginine, which is basic and polar, at codon 957 of the PALB2 protein (p.Lys957Arg). This variant is not present in population databases (gnomAD no frequency). This variant has not been reported in the literature in individuals affected with PALB2-related conditions. ClinVar contains an entry for this variant (Variation ID: 1431902). Invitae Evidence Modeling of protein sequence and biophysical properties (such as structural, functional, and spatial information, amino acid conservation, physicochemical variation, residue mobility, and thermodynamic stability) indicates that this missense variant is not expected to disrupt PALB2 protein function with a negative predictive value of 80%. In summary, the available evidence is currently insufficient to determine the role of this variant in disease. Therefore, it has been classified as a Variant of Uncertain Significance.